The following is an entry in ClinVar:

ClinVar aggregate classification (germline): Uncertain significance. Review status: criteria provided, multiple submitters, no conflicts (2 of 4 stars). 2 submissions from 2 submitters: Uncertain significance (2). Last evaluated 2020-09-21.

Conditions:
Familial sleep-related hypermotor epilepsy. Also called: Autosomal Dominant Sleep-Related Hypermotor (Hyperkinetic) Epilepsy. Identifiers: Orphanet 98784, MedGen C3696898, MONDO:0000030.

Allele frequency attached by ClinVar (database versions not stated): gnomAD exomes below 0.00001; TOPMed 0.00001; gnomAD 0.00001.

Submissions (2):

GeneDx
Classification: Uncertain significance. Last evaluated: 2020-09-21. Review status: criteria provided, single submitter. Criteria: GeneDx Variant Classification Process June 2021. Collection method: clinical testing. Allele origin: germline. Affected: yes.
Comment: Not observed at a significant frequency in large population cohorts (Lek et al., 2016); In silico analysis supports that this missense variant does not alter protein structure/function; Has not been previously published as pathogenic or benign to our knowledge

Labcorp Genetics (formerly Invitae), Labcorp
Classification: Uncertain significance. Last evaluated: 2018-02-16. Review status: criteria provided, single submitter. Criteria: Invitae Variant Classification Sherloc (09022015). Collection method: clinical testing. Allele origin: germline.
Comment: In summary, the available evidence is currently insufficient to determine the role of this variant in disease. Therefore, it has been classified as a Variant of Uncertain Significance. Algorithms developed to predict the effect of missense changes on protein structure and function output the following: SIFT: "Tolerated"; PolyPhen-2: "Benign"; Align-GVGD: "Class C0". The proline amino acid residue is found in multiple mammalian species, suggesting that this missense change does not adversely affect protein function. These predictions have not been confirmed by published functional studies and their clinical significance is uncertain. This variant has not been reported in the literature in individuals with CHRNA4-related disease. This variant is not present in population databases (ExAC no frequency). This sequence change replaces histidine with proline at codon 557 of the CHRNA4 protein (p.His557Pro). The histidine residue is weakly conserved and there is a moderate physicochemical difference between histidine and proline.

NM_000744.7(CHRNA4):c.1670A>C (p.His557Pro)

Gene: CHRNA4 (cholinergic receptor nicotinic alpha 4 subunit; minus strand). Cytogenetic location: 20q13.33.
Variant type: single nucleotide variant.
Coding change: c.1670A>C on transcript NM_000744.7 (MANE Select); coding-DNA position 1670, A replaced by C.
Protein change: p.His557Pro; replaces histidine 557 with proline.
Molecular consequence: missense variant. On other transcripts: non-coding transcript variant (1).
Genome position (GRCh38, 1-based): chr20:63,349,741, T>G on the plus strand (A>C on the coding strand, the complement: CHRNA4 is on the minus strand). VCF-style: chr20-63349741-T-G. GRCh37 (hg19) VCF-style: chr20-61981093-T-G.
Other names: c.1142A>C, p.His381Pro (NM_001256573.2); short protein forms H557P, H381P.
Identifiers: ClinVar variation 543515 (VCV000543515.10), dbSNP rs1282336623, ClinGen allele CA409632426.